The following is an entry in ClinVar:

ClinVar aggregate classification (germline): Pathogenic/Likely pathogenic. Review status: criteria provided, multiple submitters, no conflicts (2 of 4 stars). 4 submissions from 4 submitters: Pathogenic (3); Likely pathogenic (1). Last evaluated 2026-06-23.

Conditions:
Cardiovascular phenotype. Identifiers: MedGen CN230736.
PKP2-related disorder. Also called: PKP2-related condition.
Arrhythmogenic right ventricular dysplasia 9 (ARVD9). Also called: Arrhythmogenic Right Ventricular Dysplasia/Cardiomyopathy 9; ARRHYTHMOGENIC RIGHT VENTRICULAR DYSPLASIA, FAMILIAL, 9. Identifiers: MedGen C1836906, MONDO:0012180, OMIM 609040.

Submissions (4):

Ambry Genetics
Classification: Pathogenic for Cardiovascular phenotype. Last evaluated: 2026-06-23. Review status: criteria provided, single submitter. Criteria: Ambry Variant Classification Scheme 2023. Collection method: clinical testing. Allele origin: germline.
Comment: The c.1125_1132delTTTCATAC pathogenic mutation, located in coding exon 4 of the PKP2 gene, results from a deletion of 8 nucleotides at nucleotide positions 1125 to 1132, causing a translational frameshift with a predicted alternate stop codon (p.F376Afs*8). This variant was reported in individual(s) with features consistent with arrhythmogenic right ventricular cardiomyopathy (Walsh R et al. Genet Med, 2017 Feb;19:192-203; Mak CM et al. Hong Kong Med J, 2018 Aug;24:340-349; Li X et al. Funct Integr Genomics, 2026 Jan;26:25). This variant is considered to be rare based on population cohorts in the Genome Aggregation Database (gnomAD). This alteration is expected to result in loss of function by premature protein truncation or nonsense-mediated mRNA decay. As such, this alteration is interpreted as a disease-causing mutation.

GeneDx
Classification: Likely pathogenic. Last evaluated: 2025-10-06. Review status: criteria provided, single submitter. Criteria: GeneDx Variant Classification Process June 2021. Collection method: clinical testing. Allele origin: germline. Affected: yes.
Comment: Reported in cohort studies including individuals with a diagnosis of arrhythmogenic right ventricular cardiomyopathy in the published literature; however, clinical information and familial segregation data for these individuals is limited (PMID: 29497013, 27532257, 31402444); Frameshift variant predicted to result in protein truncation or nonsense mediated decay in a gene for which loss of function is a known mechanism of disease; Not observed at significant frequency in large population cohorts (gnomAD); This variant is associated with the following publications: (PMID: 27532257, 31402444, 29497013)

Labcorp Genetics (formerly Invitae), Labcorp
Classification: Pathogenic for Arrhythmogenic right ventricular dysplasia 9. Last evaluated: 2024-08-13. Review status: criteria provided, single submitter. Criteria: Invitae Variant Classification Sherloc (09022015). Collection method: clinical testing. Allele origin: germline.
Comment: This sequence change creates a premature translational stop signal (p.Phe376Alafs*8) in the PKP2 gene. It is expected to result in an absent or disrupted protein product. Loss-of-function variants in PKP2 are known to be pathogenic (PMID: 15489853, 17041889, 23911551). This variant is not present in population databases (gnomAD no frequency). This variant has not been reported in the literature in individuals affected with PKP2-related conditions. ClinVar contains an entry for this variant (Variation ID: 202016). For these reasons, this variant has been classified as Pathogenic.

PreventionGenetics, part of Exact Sciences
Classification: Pathogenic for PKP2-related condition. Last evaluated: 2023-03-02. Review status: criteria provided, single submitter. Criteria: ACMG Guidelines, 2015. Collection method: clinical testing. Allele origin: germline.
Comment: The PKP2 c.1125_1132del8 variant is predicted to result in a frameshift and premature protein termination (p.Phe376Alafs*8). This variant has been reported in an individual with arrhythmogenic right ventricular dysplasia (Table S1A - Walsh et al. 2017. PubMed ID: 27532257). In ClinVar, this variant has been interpreted as pathogenic. This variant has not been reported in a large population database, indicating this variant is rare. Frameshift variants in PKP2 are expected to be pathogenic, and therefore we interpret c.1125_1132del (p.Phe376Alafs*8) as pathogenic.

Literature cited by the submitters: PubMed 27532257 (cited by Ambry Genetics); PubMed 29497013 (cited by Ambry Genetics); PubMed 41535644 (cited by Ambry Genetics); PubMed 15489853 (cited by Labcorp Genetics (formerly Invitae), Labcorp); PubMed 17041889 (cited by Labcorp Genetics (formerly Invitae), Labcorp); PubMed 23911551 (cited by Labcorp Genetics (formerly Invitae), Labcorp).

NM_001005242.3(PKP2):c.1125_1132del (p.Phe376fs)

Gene: PKP2 (plakophilin 2; minus strand). Cytogenetic location: 12p11.21.
Variant type: Deletion.
Coding change: c.1125_1132del on transcript NM_001005242.3 (MANE Select); coding-DNA positions 1125 to 1132, 8 bases deleted (TTTCATAC; older notation c.1125_1132delTTTCATAC).
Protein change: p.Phe376fs; shifts the reading frame from phenylalanine 376.
Molecular consequence: frameshift variant.
Genome position (GRCh38, 1-based): chr12:32,868,965-32,868,972, GTATGAAA deleted on the plus strand (TTTCATAC on the coding strand, the reverse complement: PKP2 is on the minus strand); deleting any 8 consecutive bases within chr12:32,868,965-32,868,975 gives the same sequence; the c. name uses the placement nearest the transcript's 3' end. VCF-style (leftmost placement, unchanged base first): chr12-32868964-TGTATGAAA-T. GRCh37 (hg19) VCF-style: chr12-33021898-TGTATGAAA-T.
Other names: c.1125_1132del, p.Phe376fs (NM_004572.4); c.1125_1132del8 (NM_004572.3); c.1125_1132delTTTCATAC (NM_004572.3); c.1125_1132del (NM_004572.3); short protein forms F376fs.
Identifiers: ClinVar variation 202016 (VCV000202016.14), dbSNP rs794729124, ClinGen allele CA010803.